The following is an entry in ClinVar:

ClinVar aggregate classification (germline): Pathogenic/Likely pathogenic. Review status: criteria provided, multiple submitters, no conflicts (2 of 4 stars). 2 submissions from 2 submitters: Pathogenic (1); Likely pathogenic (1). Last evaluated 2022-08-30.

Conditions:
Niemann-Pick disease, type C1. Also called: NEUROVISCERAL STORAGE DISEASE WITH VERTICAL SUPRANUCLEAR OPHTHALMOPLEGIA; NIEMANN-PICK DISEASE WITH CHOLESTEROL ESTERIFICATION BLOCK; NIEMANN-PICK DISEASE WITHOUT SPHINGOMYELINASE DEFICIENCY; NIEMANN-PICK DISEASE, CHRONIC NEURONOPATHIC FORM; NIEMANN-PICK DISEASE, VARIANT TYPE C1. Identifiers: Orphanet 646, MedGen C3179455, MONDO:0009757, OMIM 257220.

Submissions (2):

CENTOGENE GmbH and LLC - Guiding Precision Medicine
Classification: Pathogenic for Niemann-Pick disease, type C1. Last evaluated: 2022-08-30. Review status: criteria provided, single submitter. Criteria: ACMG Guidelines, 2015. Collection method: clinical testing. Allele origin: germline. Affected: yes.

Myriad Genetics, Inc.
Classification: Likely pathogenic for Niemann-Pick disease, type C1. Last evaluated: 2022-03-09. Review status: criteria provided, single submitter. Criteria: Myriad Women's Health Autosomal Recessive and X-Linked Classification Criteria (2021). Collection method: clinical testing. Allele origin: unknown.
Comment: NM_000271.4(NPC1):c.2146C>T(Q716*) is expected to be pathogenic in the context of Niemann-Pick disease type C1. This variant is predicted to lead to an abnormal or absent protein product due to the creation of a premature termination codon in NPC1, a gene where loss-of-function variants are known to be pathogenic. Please note: this variant was assessed in the context of healthy population screening.

NM_000271.5(NPC1):c.2146C>T (p.Gln716Ter)

Gene: NPC1 (NPC intracellular cholesterol transporter 1; minus strand). Cytogenetic location: 18q11.2.
Variant type: single nucleotide variant.
Coding change: c.2146C>T on transcript NM_000271.5 (MANE Select); coding-DNA position 2146, C replaced by T.
Protein change: p.Gln716Ter; replaces glutamine 716 with a stop codon.
Molecular consequence: nonsense.
Genome position (GRCh38, 1-based): chr18:23,543,554, G>A on the plus strand (C>T on the coding strand, the complement: NPC1 is on the minus strand). VCF-style: chr18-23543554-G-A. GRCh37 (hg19) VCF-style: chr18-21123518-G-A.
Other names: short protein forms Q716*.
Identifiers: ClinVar variation 1705764 (VCV001705764.3), dbSNP rs1454412918, ClinGen allele CA401770937.
Genomic context (GRCh38, chr18:23,543,554, plus strand): 5'-ACATACTGGGAGCCACTTCTCCTAGGACCCTGCCCAGCTGCTGATCCAGGGTTTCCCCTT[G>A]AAGACGTTCATCTCTCTTAAAAAAAAAAAAAAAAAATTATGCGACATTAAAATTTCTCAA-3'